The following is an entry in ClinVar:

NM_006922.4(SCN3A):c.641C>T (p.Ala214Val)

Gene: SCN3A (sodium voltage-gated channel alpha subunit 3; minus strand). Cytogenetic location: 2q24.3.
Variant type: single nucleotide variant.
Coding change: c.641C>T on transcript NM_006922.4 (MANE Select); coding-DNA position 641, C replaced by T.
Protein change: p.Ala214Val; replaces alanine 214 with valine.
Molecular consequence: missense variant. On other transcripts: intron variant (1).
Genome position (GRCh38, 1-based): chr2:165,163,671, G>A on the plus strand (C>T on the coding strand, the complement: SCN3A is on the minus strand). VCF-style: chr2-165163671-G-A. GRCh37 (hg19) VCF-style: chr2-166020181-G-A.
Other names: c.641C>T, p.Ala214Val (NM_001081676.2); c.694+131C>T (NM_001081677.2); short protein forms A214V.
Identifiers: ClinVar variation 960585 (VCV000960585.9), dbSNP rs753671124, ClinGen allele CA1939361.

ClinVar aggregate classification (germline): Uncertain significance (1 of 4 stars; one submission).

Allele frequency attached by ClinVar (database versions not stated): gnomAD 0.00002; TOPMed 0.00002; gnomAD exomes 0.00003 and 0.00006; ExAC 0.00012.
gnomAD v4.1: 41 of 1,613,922 alleles (0.0025%); highest among the groups gnomAD compares: Non-Finnish European, 0.0033%; no homozygotes.

Submission:

Labcorp Genetics (formerly Invitae), Labcorp
Classification: Uncertain significance. Last evaluated: 2021-04-21. Review status: criteria provided, single submitter. Criteria: Invitae Variant Classification Sherloc (09022015). Collection method: clinical testing. Allele origin: germline.
Comment: This sequence change replaces alanine with valine at codon 214 of the SCN3A protein (p.Ala214Val). The alanine residue is highly conserved and there is a small physicochemical difference between alanine and valine. In summary, the available evidence is currently insufficient to determine the role of this variant in disease. Therefore, it has been classified as a Variant of Uncertain Significance. Algorithms developed to predict the effect of missense changes on protein structure and function are either unavailable or do not agree on the potential impact of this missense change (SIFT: "Deleterious"; PolyPhen-2: "Probably Damaging"; Align-GVGD: "Class C0"). This variant has not been reported in the literature in individuals with SCN3A-related conditions. This variant is present in population databases (rs753671124, ExAC 0.02%), and has an allele count higher than expected for a pathogenic variant (PMID: 28166811).

Literature cited by the submitters: PubMed 28166811.